The following is an entry in ClinVar:

ClinVar aggregate classification (germline): Uncertain significance (1 of 4 stars; one submission).

Conditions:
Immunodeficiency 51 (IMD51). Also called: CANDIDIASIS, FAMILIAL, 5. Identifiers: Orphanet 1334, MedGen C4310803, MONDO:0013500, OMIM 613953.

Allele frequency attached by ClinVar (database versions not stated): gnomAD exomes below 0.00001.
gnomAD v4.1: 1 of 1,614,236 alleles (0.000062%); highest among the groups gnomAD compares: South Asian, 0.0011%; no homozygotes.

Submission:

Labcorp Genetics (formerly Invitae), Labcorp
Classification: Uncertain significance for Immunodeficiency 51. Last evaluated: 2022-12-31. Review status: criteria provided, single submitter. Criteria: Invitae Variant Classification Sherloc (09022015). Collection method: clinical testing. Allele origin: germline.
Comment: This sequence change replaces leucine, which is neutral and non-polar, with valine, which is neutral and non-polar, at codon 223 of the IL17RA protein (p.Leu223Val). In summary, the available evidence is currently insufficient to determine the role of this variant in disease. Therefore, it has been classified as a Variant of Uncertain Significance. Advanced modeling of protein sequence and biophysical properties (such as structural, functional, and spatial information, amino acid conservation, physicochemical variation, residue mobility, and thermodynamic stability) performed at Invitae indicates that this missense variant is not expected to disrupt IL17RA protein function. This variant has not been reported in the literature in individuals affected with IL17RA-related conditions. This variant is not present in population databases (gnomAD no frequency).

NM_014339.7(IL17RA):c.667C>G (p.Leu223Val)

Gene: IL17RA (interleukin 17 receptor A; plus strand). Cytogenetic location: 22q11.1.
Variant type: single nucleotide variant.
Coding change: c.667C>G on transcript NM_014339.7 (MANE Select); coding-DNA position 667, C replaced by G.
Protein change: p.Leu223Val; replaces leucine 223 with valine.
Molecular consequence: missense variant.
Genome position (GRCh38, 1-based): chr22:17,102,207, C>G. VCF-style: chr22-17102207-C-G. GRCh37 (hg19) VCF-style: chr22-17583097-C-G.
Other names: c.667C>G, p.Leu223Val (NM_001289905.2); short protein forms L223V.
Identifiers: ClinVar variation 2825217 (VCV002825217.3), dbSNP rs2517164506, ClinGen allele CA410213038.